The following is an entry in ClinVar:

NM_001010892.3(RSPH4A):c.1007G>A (p.Arg336His)

Gene: RSPH4A (radial spoke head component 4A; plus strand). Cytogenetic location: 6q22.1.
Variant type: single nucleotide variant.
Coding change: c.1007G>A on transcript NM_001010892.3 (MANE Select); coding-DNA position 1007, G replaced by A.
Protein change: p.Arg336His; replaces arginine 336 with histidine.
Molecular consequence: missense variant.
Genome position (GRCh38, 1-based): chr6:116,627,714, G>A. VCF-style: chr6-116627714-G-A. GRCh37 (hg19) VCF-style: chr6-116948877-G-A.
Other names: p.Arg336His; c.1007G>A, p.Arg336His (NM_001161664.2); short protein forms R336H.
Identifiers: ClinVar variation 4541207 (VCV004541207.1).

ClinVar aggregate classification (germline): Uncertain significance (1 of 4 stars; one submission).

gnomAD v4.1: 19 of 1,613,938 alleles (0.0012%); highest among the groups gnomAD compares: South Asian, 0.0022%; no homozygotes.

Submission:

Mayo Clinic Laboratories, Mayo Clinic
Classification: Uncertain significance. Last evaluated: 2025-04-10. Review status: criteria provided, single submitter. Criteria: ACMG Guidelines, 2015. Collection method: clinical testing. Allele origin: germline. Observed: 1 variant allele.
Comment: PM2_supporting